The following is an entry in ClinVar:

NM_152703.5(SAMD9L):c.3154G>A (p.Asp1052Asn)

Gene: SAMD9L (sterile alpha motif domain containing 9 like; minus strand). Cytogenetic location: 7q21.2.
Variant type: single nucleotide variant.
Coding change: c.3154G>A on transcript NM_152703.5 (MANE Select); coding-DNA position 3154, G replaced by A.
Protein change: p.Asp1052Asn; replaces aspartic acid 1052 with asparagine.
Molecular consequence: missense variant.
Genome position (GRCh38, 1-based): chr7:93,132,818, C>T on the plus strand (G>A on the coding strand, the complement: SAMD9L is on the minus strand). VCF-style: chr7-93132818-C-T. GRCh37 (hg19) VCF-style: chr7-92762131-C-T.
Other names: c.3154G>A, p.Asp1052Asn (NM_001303500.3, NM_001350082.2, NM_001350083.2 and 5 more transcripts); short protein forms D1052N.
Identifiers: ClinVar variation 4826181 (VCV004826181.1).

ClinVar aggregate classification (germline): Uncertain significance (1 of 4 stars; one submission).

Conditions:
Inborn genetic diseases. Identifiers: MedGen C0950123, MeSH D030342.

Submission:

Ambry Genetics
Classification: Uncertain significance for Inborn genetic diseases. Last evaluated: 2026-03-04. Review status: criteria provided, single submitter. Criteria: Ambry Variant Classification Scheme 2023. Collection method: clinical testing. Allele origin: germline.
Comment: The p.D1052N variant (also known as c.3154G>A), located in coding exon 1 of the SAMD9L gene, results from a G to A substitution at nucleotide position 3154. The aspartic acid at codon 1052 is replaced by asparagine, an amino acid with highly similar properties. This amino acid position is conserved. In addition, this alteration is predicted to be tolerated by in silico analysis. Based on the available evidence, the clinical significance of this variant remains unclear.